The following is an entry in ClinVar:

NM_031475.3(ESPN):c.1568T>C (p.Leu523Pro)

Gene: ESPN (espin; plus strand). Cytogenetic location: 1p36.31.
Variant type: single nucleotide variant.
Coding change: c.1568T>C on transcript NM_031475.3 (MANE Select); coding-DNA position 1568, T replaced by C.
Protein change: p.Leu523Pro; replaces leucine 523 with proline.
Molecular consequence: missense variant.
Genome position (GRCh38, 1-based): chr1:6,448,744, T>C. VCF-style: chr1-6448744-T-C. GRCh37 (hg19) VCF-style: chr1-6508804-T-C.
Other names: c.1568T>C, p.Leu523Pro (NM_001367473.1, NM_001367474.1); c.1568T>C (NM_031475.2); short protein forms L523P.
Identifiers: ClinVar variation 1995318 (VCV001995318.4), dbSNP rs1452212090, ClinGen allele CA338096641.

ClinVar aggregate classification (germline): Uncertain significance. Review status: criteria provided, multiple submitters, no conflicts (2 of 4 stars). 2 submissions from 2 submitters: Uncertain significance (2). Last evaluated 2025-10-22.

Conditions:
Inborn genetic diseases. Identifiers: MedGen C0950123, MeSH D030342.

Submissions (2):

Ambry Genetics
Classification: Uncertain significance for Inborn genetic diseases. Last evaluated: 2025-10-22. Review status: criteria provided, single submitter. Criteria: Ambry Variant Classification Scheme 2023. Collection method: clinical testing. Allele origin: germline.

Labcorp Genetics (formerly Invitae), Labcorp
Classification: Uncertain significance. Last evaluated: 2022-08-22. Review status: criteria provided, single submitter. Criteria: Invitae Variant Classification Sherloc (09022015). Collection method: clinical testing. Allele origin: germline.
Comment: This sequence change replaces leucine, which is neutral and non-polar, with proline, which is neutral and non-polar, at codon 523 of the ESPN protein (p.Leu523Pro). The frequency data for this variant in the population databases is considered unreliable, as metrics indicate poor data quality at this position in the gnomAD database. In summary, the available evidence is currently insufficient to determine the role of this variant in disease. Therefore, it has been classified as a Variant of Uncertain Significance. Algorithms developed to predict the effect of missense changes on protein structure and function are either unavailable or do not agree on the potential impact of this missense change (SIFT: "Deleterious"; PolyPhen-2: "Benign"; Align-GVGD: "Class C0"). This variant has not been reported in the literature in individuals affected with ESPN-related conditions.